The following is an entry in ClinVar:

NM_004174.4(SLC9A3):c.1813C>G (p.Arg605Gly)

Genes: SLC9A3 (solute carrier family 9 member A3), SLC9A3-AS1 (SLC9A3 antisense RNA 1; plus strand). Cytogenetic location: 5p15.33.
Variant type: single nucleotide variant.
Coding change: c.1813C>G on transcript NM_004174.4 (MANE Select); coding-DNA position 1813, C replaced by G.
Protein change: p.Arg605Gly; replaces arginine 605 with glycine.
Molecular consequence: missense variant.
Genome position (GRCh38, 1-based): chr5:476,620, G>C on the plus strand (C>G on the coding strand, the complement: SLC9A3 is on the minus strand). VCF-style: chr5-476620-G-C. GRCh37 (hg19) VCF-style: chr5-476735-G-C.
Other names: c.1786C>G, p.Arg596Gly (NM_001284351.3); short protein forms R596G, R605G.
Identifiers: ClinVar variation 1909791 (VCV001909791.2), dbSNP rs371725135, ClinGen allele CA112835295.

ClinVar aggregate classification (germline): Uncertain significance (1 of 4 stars; one submission).

gnomAD v4.1: 8 of 1,609,506 alleles (0.0005%); highest among the groups gnomAD compares: Admixed American, 0.013%; no homozygotes.

Submission:

Labcorp Genetics (formerly Invitae), Labcorp
Classification: Uncertain significance. Last evaluated: 2022-07-06. Review status: criteria provided, single submitter. Criteria: Invitae Variant Classification Sherloc (09022015). Collection method: clinical testing. Allele origin: germline.
Comment: This sequence change replaces arginine, which is basic and polar, with glycine, which is neutral and non-polar, at codon 605 of the SLC9A3 protein (p.Arg605Gly). This variant is present in population databases (no rsID available, gnomAD 0.02%). This variant has not been reported in the literature in individuals affected with SLC9A3-related conditions. Algorithms developed to predict the effect of missense changes on protein structure and function are either unavailable or do not agree on the potential impact of this missense change (SIFT: "Not Available"; PolyPhen-2: "Possibly Damaging"; Align-GVGD: "Not Available"). In summary, the available evidence is currently insufficient to determine the role of this variant in disease. Therefore, it has been classified as a Variant of Uncertain Significance.